The following is an entry in ClinVar:

ClinVar aggregate classification (germline): Conflicting classifications of pathogenicity. Review status: criteria provided, conflicting classifications (1 of 4 stars). 2 submissions from 2 submitters: Uncertain significance (1); Likely benign (1). Last evaluated 2024-05-06.

Allele frequency attached by ClinVar (database versions not stated): gnomAD exomes 0.00005 and 0.00010; 1000 Genomes Project 30x 0.00016; 1000 Genomes Project 0.00020; ExAC 0.00038; gnomAD 0.00040 and 0.00050; TOPMed 0.00041.
gnomAD v4.1: 139 of 1,515,806 alleles (0.0092%); highest among the groups gnomAD compares: African/African-American, 0.16%; 1 homozygote.

Submissions (2):

Labcorp Genetics (formerly Invitae), Labcorp
Classification: Uncertain significance. Last evaluated: 2024-05-06. Review status: criteria provided, single submitter. Criteria: Invitae Variant Classification Sherloc (09022015). Collection method: clinical testing. Allele origin: germline.
Comment: This sequence change replaces alanine, which is neutral and non-polar, with valine, which is neutral and non-polar, at codon 7 of the AGPS protein (p.Ala7Val). This variant is present in population databases (rs539573652, gnomAD 0.2%). This variant has not been reported in the literature in individuals affected with AGPS-related conditions. ClinVar contains an entry for this variant (Variation ID: 383646). Experimental studies and prediction algorithms are not available or were not evaluated, and the functional significance of this variant is currently unknown. In summary, the available evidence is currently insufficient to determine the role of this variant in disease. Therefore, it has been classified as a Variant of Uncertain Significance.

GeneDx
Classification: Likely benign. Last evaluated: 2016-02-12. Review status: criteria provided, single submitter. Criteria: GeneDx Variant Classification (06012015). Collection method: clinical testing. Allele origin: germline. Affected: yes.
Comment: This variant is considered likely benign or benign based on one or more of the following criteria: it is a conservative change, it occurs at a poorly conserved position in the protein, it is predicted to be benign by multiple in silico algorithms, and/or has population frequency not consistent with disease.

NM_003659.4(AGPS):c.20C>T (p.Ala7Val)

Genes: AGPS (alkylglycerone phosphate synthase; plus strand), LOC129935172 (ATAC-STARR-seq lymphoblastoid silent region 12147; plus strand). Cytogenetic location: 2q31.2.
Variant type: single nucleotide variant.
Coding change: c.20C>T on transcript NM_003659.4 (MANE Select); coding-DNA position 20, C replaced by T.
Protein change: p.Ala7Val; replaces alanine 7 with valine.
Molecular consequence: missense variant.
Genome position (GRCh38, 1-based): chr2:177,392,809, C>T. VCF-style: chr2-177392809-C-T. GRCh37 (hg19) VCF-style: chr2-178257537-C-T.
Other names: short protein forms A7V.
Identifiers: ClinVar variation 383646 (VCV000383646.4), dbSNP rs539573652, ClinGen allele CA1979985.
Genomic context (GRCh38, chr2:177,392,809, plus strand): 5'-CCGCGCCCAGCGGTTCCGGGCGGCAGCACAAGGCGGTAGCCATGGCGGAGGCGGCGGCTG[C>T]AGCGGGTGGGACTGGCTTGGGCGCGGGCGCGAGCTACGGGTCTGCAGCGGACCGGGACCG-3'
Protein context (NP_003650.1, residues 1-17): MAEAAA[Ala7Val]AGGTGLGAGA